The following is an entry in ClinVar:

NM_001369387.1(GNAL):c.37G>T (p.Asp13Tyr)

Gene: GNAL (G protein subunit alpha L; plus strand). Cytogenetic location: 18p11.21.
Variant type: single nucleotide variant.
Coding change: c.37G>T on transcript NM_001369387.1 (MANE Plus Clinical); coding-DNA position 37, G replaced by T.
Protein change: p.Asp13Tyr; replaces aspartic acid 13 with tyrosine.
Molecular consequence: missense variant. On other transcripts: intron variant (1).
Genome position (GRCh38, 1-based): chr18:11,752,470, G>T. VCF-style: chr18-11752470-G-T. GRCh37 (hg19) VCF-style: chr18-11752469-G-T.
Other names: c.37G>T, p.Asp13Tyr (NM_001142339.3, NM_001261443.2); c.377-383G>T (NM_182978.4); short protein forms D13Y.
Identifiers: ClinVar variation 1043845 (VCV001043845.8), dbSNP rs2032882195, ClinGen allele CA401925651.

ClinVar aggregate classification (germline): Likely pathogenic (1 of 4 stars; one submission).

Conditions:
Dystonic disorder. Also called: Dystonia. Identifiers: MedGen C0013421, MONDO:0003441, HP:0001332.

Submission:

Labcorp Genetics (formerly Invitae), Labcorp
Classification: Likely pathogenic for Dystonic disorder. Last evaluated: 2020-12-18. Review status: criteria provided, single submitter. Criteria: Invitae Variant Classification Sherloc (09022015). Collection method: clinical testing. Allele origin: germline.
Comment: In summary, the currently available evidence indicates that the variant is pathogenic, but additional data are needed to prove that conclusively. Therefore, this variant has been classified as Likely Pathogenic. Advanced modeling of protein sequence and biophysical properties (such as structural, functional, and spatial information, amino acid conservation, physicochemical variation, residue mobility, and thermodynamic stability) performed at Invitae indicates that this missense variant is expected to disrupt GNAL protein function. This variant has been observed in individual(s) with clinical features of dystonia (Invitae). It has also been observed to segregate with disease in related individuals. This variant is not present in population databases (ExAC no frequency). This sequence change replaces aspartic acid with tyrosine at codon 13 of the GNAL protein (p.Asp13Tyr). The aspartic acid residue is weakly conserved and there is a large physicochemical difference between aspartic acid and tyrosine.